The following is an entry in ClinVar:

ClinVar aggregate classification (germline): Uncertain significance (1 of 4 stars; one submission).

Conditions:
Mendelian susceptibility to mycobacterial diseases due to complete IL12RB1 deficiency. Also called: IL12RB1 DEFICIENCY; Immunodeficiency 30. Identifiers: Orphanet 319552, MedGen C4013949, MONDO:0013955, OMIM 614891.

Allele frequency attached by ClinVar (database versions not stated): 1000 Genomes Project 30x 0.00031; TOPMed 0.00010; ESP Exome Variant Server 0.00017.
gnomAD v4.1: 19 of 1,609,710 alleles (0.0012%); highest among the groups gnomAD compares: African/African-American, 0.015%; no homozygotes.

Submission:

Labcorp Genetics (formerly Invitae), Labcorp
Classification: Uncertain significance for Mendelian susceptibility to mycobacterial diseases due to complete IL12RB1 deficiency. Last evaluated: 2021-10-16. Review status: criteria provided, single submitter. Criteria: Invitae Variant Classification Sherloc (09022015). Collection method: clinical testing. Allele origin: germline.
Comment: In summary, the available evidence is currently insufficient to determine the role of this variant in disease. Therefore, it has been classified as a Variant of Uncertain Significance. Algorithms developed to predict the effect of sequence changes on RNA splicing suggest that this variant is not likely to affect RNA splicing, but this prediction has not been confirmed by published transcriptional studies. This variant has not been reported in the literature in individuals with IL12RB1-related conditions. This variant is present in population databases (rs190491500, ExAC 0.04%). This sequence change affects codon 442 of the IL12RB1 mRNA. It is a 'silent' change, meaning that it does not change the encoded amino acid sequence of the IL12RB1 protein.

NM_005535.3(IL12RB1):c.1326T>C (p.Asn442=)

Gene: IL12RB1 (interleukin 12 receptor subunit beta 1; minus strand). Cytogenetic location: 19p13.11.
Variant type: single nucleotide variant.
Coding change: c.1326T>C on transcript NM_005535.3 (MANE Select); coding-DNA position 1326, T replaced by C.
Protein change: p.Asn442=; no amino-acid change (asparagine 442 retained).
Molecular consequence: synonymous variant.
Genome position (GRCh38, 1-based): chr19:18,068,390, A>G on the plus strand (T>C on the coding strand, the complement: IL12RB1 is on the minus strand). VCF-style: chr19-18068390-A-G. GRCh37 (hg19) VCF-style: chr19-18179200-A-G.
Other names: c.1326T>C, p.Asn442= (NM_001290023.2); c.1446T>C, p.Asn482= (NM_001290024.2).
Identifiers: ClinVar variation 950293 (VCV000950293.6), dbSNP rs190491500, ClinGen allele CA9304883.